The following is an entry in ClinVar:

ClinVar aggregate classification (germline): Likely benign (1 of 4 stars; one submission).

Conditions:
TTC28-related disorder. Also called: TTC28-related condition.

Submission:

PreventionGenetics, part of Exact Sciences
Classification: Likely benign for TTC28-related condition. Last evaluated: 2025-02-18. Review status: criteria provided, single submitter. Criteria: ACMG Guidelines, 2015. Collection method: clinical testing. Allele origin: germline.
Comment: This variant is classified as likely benign based on ACMG/AMP sequence variant interpretation guidelines (Richards et al. 2015 PMID: 25741868, with internal and published modifications).

NM_001145418.2(TTC28):c.4668G>A (p.Leu1556=)

Genes: TTC28 (tetratricopeptide repeat domain 28; minus strand), TTC28-AS1 (TTC28 antisense RNA 1; plus strand). Cytogenetic location: 22q12.1.
Variant type: single nucleotide variant.
Coding change: c.4668G>A on transcript NM_001145418.2 (MANE Select); coding-DNA position 4668, G replaced by A.
Protein change: p.Leu1556=; no amino-acid change (leucine 1556 retained).
Molecular consequence: synonymous variant.
Genome position (GRCh38, 1-based): chr22:27,998,991, C>T on the plus strand (G>A on the coding strand, the complement: TTC28 is on the minus strand). VCF-style: chr22-27998991-C-T. GRCh37 (hg19) VCF-style: chr22-28394979-C-T.
Other names: c.4668G>A, p.Leu1556= (NM_001393403.1); c.4314G>A, p.Leu1438= (NM_001393404.1, NM_001393405.1).
Identifiers: ClinVar variation 4997598 (VCV004997598.1).